The following is an entry in ClinVar:

ClinVar aggregate classification (germline): Uncertain significance (1 of 4 stars; one submission).

Conditions:
Treacher Collins syndrome 1 (TCS1). Also called: TCOF1-Related Treacher Collins Syndrome. Identifiers: Orphanet 861, MedGen CN315775, MONDO:0007944, OMIM 154500.

Allele frequency attached by ClinVar (database versions not stated): gnomAD exomes below 0.00001.
gnomAD v4.1: 1 of 1,614,160 alleles (0.000062%); highest among the groups gnomAD compares: Admixed American, 0.0017%; no homozygotes.

Submission:

Labcorp Genetics (formerly Invitae), Labcorp
Classification: Uncertain significance for Treacher Collins syndrome 1. Last evaluated: 2019-07-10. Review status: criteria provided, single submitter. Criteria: Invitae Variant Classification Sherloc (09022015). Collection method: clinical testing. Allele origin: germline.
Comment: In summary, the available evidence is currently insufficient to determine the role of this variant in disease. Therefore, it has been classified as a Variant of Uncertain Significance. Algorithms developed to predict the effect of missense changes on protein structure and function are either unavailable or do not agree on the potential impact of this missense change (SIFT: "Tolerated"; PolyPhen-2: "Possibly Damaging"; Align-GVGD: "Class C0"). This variant has not been reported in the literature in individuals with TCOF1-related conditions. This variant is not present in population databases (ExAC no frequency). This sequence change replaces aspartic acid with asparagine at codon 1101 of the TCOF1 protein (p.Asp1101Asn). The aspartic acid residue is moderately conserved and there is a small physicochemical difference between aspartic acid and asparagine.

NM_001371623.1(TCOF1):c.3301G>A (p.Asp1101Asn)

Gene: TCOF1 (treacle ribosome biogenesis factor 1; plus strand). Cytogenetic location: 5q32.
Variant type: single nucleotide variant.
Coding change: c.3301G>A on transcript NM_001371623.1 (MANE Select); coding-DNA position 3301, G replaced by A.
Protein change: p.Asp1101Asn; replaces aspartic acid 1101 with asparagine.
Molecular consequence: missense variant.
Genome position (GRCh38, 1-based): chr5:150,391,960, G>A. VCF-style: chr5-150391960-G-A. GRCh37 (hg19) VCF-style: chr5-149771523-G-A.
Other names: c.3070G>A, p.Asp1024Asn (NM_000356.4, NM_001135245.2); c.3301G>A, p.Asp1101Asn (NM_001135243.2); c.3187G>A, p.Asp1063Asn (NM_001135244.2, NM_001195141.2); short protein forms D1024N, D1063N, D1101N.
Identifiers: ClinVar variation 950126 (VCV000950126.10), dbSNP rs1193457959, ClinGen allele CA361736107.